The following is an entry in ClinVar:

ClinVar aggregate classification (germline): Uncertain significance (1 of 4 stars; one submission).

gnomAD v4.1: 7 of 1,613,844 alleles (0.00043%); highest among the groups gnomAD compares: Non-Finnish European, 0.00059%; no homozygotes.

Submission:

CeGaT Center for Human Genetics Tuebingen
Classification: Uncertain significance. Last evaluated: 2024-10-01. Review status: criteria provided, single submitter. Criteria: CeGaT Center For Human Genetics Tuebingen Variant Classification Criteria Version 2. Collection method: clinical testing. Allele origin: germline. Affected: yes. Observed: 1 variant allele.
Comment: ZNF292: PM2, BP4

NM_015021.3(ZNF292):c.2614C>T (p.Leu872Phe)

Gene: ZNF292 (zinc finger protein 292; plus strand). Cytogenetic location: 6q14.3.
Variant type: single nucleotide variant.
Coding change: c.2614C>T on transcript NM_015021.3 (MANE Select); coding-DNA position 2614, C replaced by T.
Protein change: p.Leu872Phe; replaces leucine 872 with phenylalanine.
Molecular consequence: missense variant.
Genome position (GRCh38, 1-based): chr6:87,256,243, C>T. VCF-style: chr6-87256243-C-T. GRCh37 (hg19) VCF-style: chr6-87965961-C-T.
Other names: c.2194C>T, p.Leu732Phe (NM_001351444.2); short protein forms L732F, L872F.
Identifiers: ClinVar variation 3389891 (VCV003389891.14).